The following is an entry in ClinVar:

ClinVar aggregate classification (germline): Uncertain significance. Review status: criteria provided, multiple submitters, no conflicts (2 of 4 stars). 2 submissions from 2 submitters: Uncertain significance (2). Last evaluated 2026-05-21.

Conditions:
Hereditary cancer-predisposing syndrome. Also called: Neoplastic Syndromes, Hereditary; Tumor predisposition; Hereditary Cancer Syndrome; Hereditary neoplastic syndrome. Identifiers: Orphanet 140162, MedGen C0027672, MeSH D009386, MONDO:0015356.

gnomAD v4.1: 2 of 1,613,370 alleles (0.00012%); highest among the groups gnomAD compares: Non-Finnish European, 0.00017%; no homozygotes.

Submissions (2):

Ambry Genetics
Classification: Uncertain significance for Hereditary cancer-predisposing syndrome. Last evaluated: 2026-05-21. Review status: criteria provided, single submitter. Criteria: Ambry Variant Classification Scheme 2023. Collection method: clinical testing. Allele origin: germline.
Comment: The p.N1833K variant (also known as c.5499T>G), located in coding exon 10 of the BRCA2 gene, results from a T to G substitution at nucleotide position 5499. The asparagine at codon 1833 is replaced by lysine, an amino acid with similar properties. This amino acid position is not well conserved in available vertebrate species. In addition, this alteration is predicted to be tolerated by in silico analysis. Based on the available evidence, the clinical significance of this variant remains unclear.

Color Diagnostics, LLC DBA Color Health
Classification: Uncertain significance for Hereditary cancer-predisposing syndrome. Last evaluated: 2025-10-27. Review status: criteria provided, single submitter. Criteria: ACMG Guidelines, 2015. Collection method: clinical testing. Allele origin: germline.
Comment: This missense variant replaces asparagine with lysine at codon 1833 of the BRCA2 protein. Computational prediction suggests that this variant may not impact protein structure and function. To our knowledge, functional studies have not been reported for this variant. This variant has not been reported in individuals affected with BRCA2-related disorders in the literature. This variant has been identified in 2/1461074 chromosomes in the general population by the Genome Aggregation Database (gnomAD). The available evidence is insufficient to determine the role of this variant in disease conclusively. Therefore, this variant is classified as a Variant of Uncertain Significance.

NM_000059.4(BRCA2):c.5499T>G (p.Asn1833Lys)

Gene: BRCA2 (BRCA2 DNA repair associated; plus strand). Cytogenetic location: 13q13.1.
Variant type: single nucleotide variant.
Coding change: c.5499T>G on transcript NM_000059.4 (MANE Select); coding-DNA position 5499, T replaced by G.
Protein change: p.Asn1833Lys; replaces asparagine 1833 with lysine.
Molecular consequence: missense variant. On other transcripts: non-coding transcript variant (1), intron variant (2).
Genome position (GRCh38, 1-based): chr13:32,339,854, T>G. VCF-style: chr13-32339854-T-G. GRCh37 (hg19) VCF-style: chr13-32913991-T-G.
Other names: c.5499T>G, p.Asn1833Lys (NM_001406719.1, NM_001406720.1, NM_001432077.1); c.1910-4704T>G (NM_001406721.1); c.425-4704T>G (NM_001406722.1); short protein forms N1833K.
Identifiers: ClinVar variation 4758250 (VCV004758250.2).